The following is an entry in ClinVar:

ClinVar aggregate classification (germline): Pathogenic (1 of 4 stars; one submission).

Submission:

Labcorp Genetics (formerly Invitae), Labcorp
Classification: Pathogenic. Last evaluated: 2022-10-05. Review status: criteria provided, single submitter. Criteria: Invitae Variant Classification Sherloc (09022015). Collection method: clinical testing. Allele origin: germline.
Comment: For these reasons, this variant has been classified as Pathogenic. This variant has not been reported in the literature in individuals affected with PDZD7-related conditions. This variant is a gross deletion of the genomic region encompassing exon(s) 3-4 of the PDZD7 gene. This deletion is out-of-frame, and is expected to create a premature termination codon and result in an absent or disrupted protein product. Loss-of-function variants in PDZD7 are known to be pathogenic (PMID: 20440071).

Literature cited by the submitters: PubMed 20440071.

NC_000010.10:g.(?_102783173)_(102783845_?)del

Gene: PDZD7 (PDZ domain containing 7; minus strand). Cytogenetic location: 10q24.31.
Variant type: Deletion.
Identifiers: ClinVar variation 2423955 (VCV002423955.4).